The following is an entry in ClinVar:

NM_138425.4(C12orf57):c.310G>A (p.Ala104Thr)

Gene: C12orf57 (chromosome 12 open reading frame 57; plus strand). Cytogenetic location: 12p13.31.
Variant type: single nucleotide variant.
Coding change: c.310G>A on transcript NM_138425.4 (MANE Select); coding-DNA position 310, G replaced by A.
Protein change: p.Ala104Thr; replaces alanine 104 with threonine.
Molecular consequence: missense variant. On other transcripts: non-coding transcript variant (1).
Genome position (GRCh38, 1-based): chr12:6,945,851, G>A. VCF-style: chr12-6945851-G-A. GRCh37 (hg19) VCF-style: chr12-7055014-G-A.
Other names: c.310G>A, p.Ala104Thr (NM_001301834.1); c.271G>A, p.Ala91Thr (NM_001301836.2); c.223G>A, p.Ala75Thr (NM_001301837.2); c.205G>A, p.Ala69Thr (NM_001301838.2); short protein forms A104T, A69T, A75T, A91T.
Identifiers: ClinVar variation 534667 (VCV000534667.8), dbSNP rs1555146504, ClinGen allele CA383745951.

ClinVar aggregate classification (germline): Uncertain significance (1 of 4 stars; one submission).

Conditions:
Temtamy syndrome (TEMTYS). Also called: MENTAL RETARDATION WITH OR WITHOUT CRANIOFACIAL DYSMORPHISM, OCULAR COLOBOMA, OR ABNORMAL CORPUS CALLOSUM. Identifiers: Orphanet 1777, MedGen C1857512, MONDO:0009033, OMIM 218340.

Submission:

Labcorp Genetics (formerly Invitae), Labcorp
Classification: Uncertain significance for Temtamy syndrome. Last evaluated: 2022-02-04. Review status: criteria provided, single submitter. Criteria: Invitae Variant Classification Sherloc (09022015). Collection method: clinical testing. Allele origin: germline.
Comment: This sequence change replaces alanine, which is neutral and non-polar, with threonine, which is neutral and polar, at codon 104 of the C12orf57 protein (p.Ala104Thr). This variant is not present in population databases (gnomAD no frequency). This variant has not been reported in the literature in individuals affected with C12orf57-related conditions. ClinVar contains an entry for this variant (Variation ID: 534667). Algorithms developed to predict the effect of missense changes on protein structure and function are either unavailable or do not agree on the potential impact of this missense change (SIFT: "Deleterious"; PolyPhen-2: "Benign"; Align-GVGD: "Class C0"). In summary, the available evidence is currently insufficient to determine the role of this variant in disease. Therefore, it has been classified as a Variant of Uncertain Significance.